The following is an entry in ClinVar:

ClinVar aggregate classification (germline): Uncertain significance (1 of 4 stars; one submission).

Conditions:
Charcot-Marie-Tooth disease type 4. Also called: Charcot-Marie-Tooth disease, type IV; Charcot-Marie-Tooth, Type 4. Identifiers: Orphanet 64749, MedGen C4082197, MONDO:0018995.

Submission:

Labcorp Genetics (formerly Invitae), Labcorp
Classification: Uncertain significance for Charcot-Marie-Tooth disease type 4. Last evaluated: 2022-10-25. Review status: criteria provided, single submitter. Criteria: Invitae Variant Classification Sherloc (09022015). Collection method: clinical testing. Allele origin: germline.
Comment: In summary, the available evidence is currently insufficient to determine the role of this variant in disease. Therefore, it has been classified as a Variant of Uncertain Significance. Advanced modeling of protein sequence and biophysical properties (such as structural, functional, and spatial information, amino acid conservation, physicochemical variation, residue mobility, and thermodynamic stability) performed at Invitae indicates that this missense variant is not expected to disrupt SH3TC2 protein function. ClinVar contains an entry for this variant (Variation ID: 1360555). This variant has not been reported in the literature in individuals affected with SH3TC2-related conditions. This variant is not present in population databases (gnomAD no frequency). This sequence change replaces histidine, which is basic and polar, with arginine, which is basic and polar, at codon 476 of the SH3TC2 protein (p.His476Arg).

NM_024577.4(SH3TC2):c.1427A>G (p.His476Arg)

Gene: SH3TC2 (SH3 domain and tetratricopeptide repeats 2; minus strand). Cytogenetic location: 5q32.
Variant type: single nucleotide variant.
Coding change: c.1427A>G on transcript NM_024577.4 (MANE Select); coding-DNA position 1427, A replaced by G.
Protein change: p.His476Arg; replaces histidine 476 with arginine.
Molecular consequence: missense variant.
Genome position (GRCh38, 1-based): chr5:149,028,305, T>C on the plus strand (A>G on the coding strand, the complement: SH3TC2 is on the minus strand). VCF-style: chr5-149028305-T-C. GRCh37 (hg19) VCF-style: chr5-148407868-T-C.
Other names: short protein forms H476R.
Identifiers: ClinVar variation 1360555 (VCV001360555.8), dbSNP rs1673272488, ClinGen allele CA361668863.
Genomic context (GRCh38, chr5:149,028,305, plus strand): 5'-GAAGTGAGGAAAGAGAAGGAGAAGTCATAGAGACTCTTAAAGTGGTCAGCATAACCCTCA[T>C]GATCCAGAAAAGCCAATATGGGGGCGAAGTTCTCAGCCTCCTCCTCCTGACCAGTGCTTA-3'
Protein context (NP_078853.2, residues 466-486): NFAPILAFLD[His476Arg]EGYADHFKSL